The following is an entry in ClinVar:

NM_001042492.3(NF1):c.1540C>T (p.Gln514Ter)

Gene: NF1 (neurofibromin 1; plus strand). Cytogenetic location: 17q11.2.
Variant type: single nucleotide variant.
Coding change: c.1540C>T on transcript NM_001042492.3 (MANE Select); coding-DNA position 1540, C replaced by T.
Protein change: p.Gln514Ter; replaces glutamine 514 with a stop codon.
Molecular consequence: nonsense.
Genome position (GRCh38, 1-based): chr17:31,219,017, C>T. VCF-style: chr17-31219017-C-T. GRCh37 (hg19) VCF-style: chr17-29546035-C-T.
Other names: c.1540C>T, p.Gln514Ter (NM_000267.4, NM_001128147.3); short protein forms Q514*.
Identifiers: ClinVar variation 547594 (VCV000547594.18), dbSNP rs1316926587, ClinGen allele CA399001840.

ClinVar aggregate classification (germline): Pathogenic. Review status: criteria provided, multiple submitters, no conflicts (2 of 4 stars). 9 submissions from 9 submitters: Pathogenic (7). 2 of the submissions do not count toward it. Last evaluated 2025-09-25.
ClinVar aggregate classification (somatic clinical impact): Tier I - Strong (1 of 4 stars; one submission).

Conditions:
Hereditary cancer-predisposing syndrome. Also called: Neoplastic Syndromes, Hereditary; Hereditary neoplastic syndrome; Tumor predisposition; Hereditary Cancer Syndrome. Identifiers: Orphanet 140162, MedGen C0027672, MeSH D009386, MONDO:0015356.
Cardiovascular phenotype. Identifiers: MedGen CN230736.
Neurofibromatosis, type 1 (NF1). Also called: NEUROFIBROMATOSIS, TYPE I, SOMATIC; VON RECKLINGHAUSEN DISEASE; Peripheral type neurofibromatosis; Neurofibromatosis, type I. Identifiers: Orphanet 636, MedGen C0027831, MONDO:0018975, OMIM 162200. Disease mechanism: loss of function.
Embryonal rhabdomyosarcoma (ERMS). Also called: Botryoid rhabdomyosarcoma (type of ERMS); Spindle cell rhabdomyosarcomas (type of ERMS). Identifiers: Orphanet 99757, MedGen C0206656, MONDO:0009993, HP:0006743.

Submissions (10):

NHS Central & South Genomic Laboratory Hub
Classification: Pathogenic for Neurofibromatosis type 1. Last evaluated: 2025-09-25. Review status: criteria provided, single submitter. Criteria: ACMG Guidelines, 2015. Collection method: clinical testing. Allele origin: germline. Affected: yes.

Genomic Medicine Center of Excellence, King Faisal Specialist Hospital and Research Centre
Classification: Pathogenic for Neurofibromatosis, type 1. Last evaluated: 2025-09-10. Review status: criteria provided, single submitter. Criteria: ACMG Guidelines, 2015. Collection method: clinical testing. Allele origin: germline.

GeneDx
Classification: Pathogenic. Last evaluated: 2023-10-23. Review status: criteria provided, single submitter. Criteria: GeneDx Variant Classification Process June 2021. Collection method: clinical testing. Allele origin: germline. Affected: yes.
Comment: Nonsense variant predicted to result in protein truncation or nonsense mediated decay in a gene for which loss of function is a known mechanism of disease; Not observed at significant frequency in large population cohorts (gnomAD); This variant is associated with the following publications: (PMID: 31212687, 25541118, 22106164)

Labcorp Genetics (formerly Invitae), Labcorp
Classification: Pathogenic for Neurofibromatosis, type 1. Last evaluated: 2023-10-13. Review status: criteria provided, single submitter. Criteria: Invitae Variant Classification Sherloc (09022015). Collection method: clinical testing. Allele origin: germline.
Comment: This sequence change creates a premature translational stop signal (p.Gln514*) in the NF1 gene. It is expected to result in an absent or disrupted protein product. Loss-of-function variants in NF1 are known to be pathogenic (PMID: 10712197, 23913538). The frequency data for this variant in the population databases is considered unreliable, as metrics indicate poor data quality at this position in the gnomAD database. This premature translational stop signal has been observed in individual(s) with neurofibromatosis type 1 (PMID: 25541118). ClinVar contains an entry for this variant (Variation ID: 547594). For these reasons, this variant has been classified as Pathogenic.

Institute for Genomic Medicine (IGM) Clinical Laboratory, Nationwide Children's Hospital
Classification: Tier I - Strong for Embryonal rhabdomyosarcoma. Assertion type: diagnostic. Clinical significance: supports diagnosis. Last evaluated: 2023-03-08. Review status: criteria provided, single submitter. Criteria: AMP/ASCO/CAP Guidelines, 2017. Collection method: clinical testing. Allele origin: somatic. Affected: yes.
Comment: Variant has Tier I (strong) clinical significance as a diagnostic inclusion criterion in embryonal rhabdomyosarcoma, based on the following evidence: 1) Appears in one or more well-established professional guidelines (e.g., World Health Organization [WHO]; National Comprehensive Cancer Network [NCCN]) as providing diagnostic, prognostic, or therapeutic information. 2) Information in the literature supports potential biologic effect of variant. 3) Diagnostic for a specific tumor type/classification based on well-powered studies with expert-level consensus (Evidence Level B; PMIDs: 34166060, 24436047, 26138366, 21412928).

Genome-Nilou Lab
Classification: Pathogenic for Neurofibromatosis, type 1. Last evaluated: 2022-03-15. Review status: criteria provided, single submitter. Criteria: ACMG Guidelines, 2015. Collection method: clinical testing. Allele origin: germline. Affected: no.

Ambry Genetics
Classification: Pathogenic for Cardiovascular phenotype; Hereditary cancer-predisposing syndrome. Last evaluated: 2017-02-08. Review status: criteria provided, single submitter. Criteria: Ambry Variant Classification Scheme 2023. Collection method: clinical testing. Allele origin: germline.
Comment: The p.Q514* pathogenic mutation (also known as c.1540C>T), located in coding exon 14 of the NF1 gene, results from a C to T substitution at nucleotide position 1540. This changes the amino acid from a glutamine to a stop codon within coding exon 14. This alteration is expected to result in loss of function by premature protein truncation or nonsense-mediated mRNA decay. As such, this alteration is interpreted as a disease-causing mutation.

Center for Human Genetics, Inc
Classification: Pathogenic for Neurofibromatosis, type 1. Last evaluated: 2016-11-01. Review status: criteria provided, single submitter. Criteria: ACMG Guidelines, 2015. Collection method: clinical testing. Allele origin: germline. Affected: yes.

Clinical Genetics DNA and cytogenetics Diagnostics Lab, Erasmus MC, Erasmus Medical Center
Classification: Pathogenic. Review status: no assertion criteria provided. Collection method: clinical testing. Allele origin: germline. Affected: yes. Study: VKGL Data-share Consensus. Not counted in ClinVar's aggregate classification.

Joint Genome Diagnostic Labs from Nijmegen and Maastricht, Radboudumc and MUMC+
Classification: Pathogenic. Review status: no assertion criteria provided. Collection method: clinical testing. Allele origin: germline. Affected: yes. Study: VKGL Data-share Consensus. Not counted in ClinVar's aggregate classification.

Literature cited by the submitters: PubMed 10712197 (cited by Labcorp Genetics (formerly Invitae), Labcorp); PubMed 23913538 (cited by Labcorp Genetics (formerly Invitae), Labcorp); PubMed 25541118 (cited by Labcorp Genetics (formerly Invitae), Labcorp); PubMed 34166060 (cited by Institute for Genomic Medicine (IGM) Clinical Laboratory, Nationwide Children's Hospital); PubMed 24436047 (cited by Institute for Genomic Medicine (IGM) Clinical Laboratory, Nationwide Children's Hospital); PubMed 26138366 (cited by Institute for Genomic Medicine (IGM) Clinical Laboratory, Nationwide Children's Hospital); PubMed 21412928 (cited by Institute for Genomic Medicine (IGM) Clinical Laboratory, Nationwide Children's Hospital).